The following is an entry in ClinVar:

NM_001923.5(DDB1):c.3074A>G (p.Gln1025Arg)

Gene: DDB1 (damage specific DNA binding protein 1; minus strand). Cytogenetic location: 11q12.2.
Variant type: single nucleotide variant.
Coding change: c.3074A>G on transcript NM_001923.5 (MANE Select); coding-DNA position 3074, A replaced by G.
Protein change: p.Gln1025Arg; replaces glutamine 1025 with arginine.
Molecular consequence: missense variant.
Genome position (GRCh38, 1-based): chr11:61,302,620, T>C on the plus strand (A>G on the coding strand, the complement: DDB1 is on the minus strand). VCF-style: chr11-61302620-T-C. GRCh37 (hg19) VCF-style: chr11-61070092-T-C.
Other names: short protein forms Q1025R.
Identifiers: ClinVar variation 2631722 (VCV002631722.2), dbSNP rs2539658977, ClinGen allele CA380657473.

ClinVar aggregate classification (germline): Uncertain significance (1 of 4 stars; one submission).

Conditions:
DDB1-related disorder. Also called: DDB1-related condition.

Submission:

PreventionGenetics, part of Exact Sciences
Classification: Uncertain significance for DDB1-related condition. Last evaluated: 2025-10-14. Review status: criteria provided, single submitter. Criteria: ACMG Guidelines, 2015. Collection method: clinical testing. Allele origin: germline.
Comment: The DDB1 c.3074A>G variant is predicted to result in the amino acid substitution p.Gln1025Arg. To our knowledge, this variant has not been reported in the literature or in a large population database (gnomAD), indicating this variant is rare. At this time, the clinical significance of this variant is uncertain due to the absence of conclusive functional and genetic evidence.